The following is an entry in ClinVar:

NM_018972.4(GDAP1):c.*2463A>G

Gene: GDAP1 (ganglioside induced differentiation associated protein 1; plus strand). Cytogenetic location: 8q21.11.
Variant type: single nucleotide variant.
Coding change: c.*2463A>G on transcript NM_018972.4 (MANE Select); 2463 bases downstream of the stop codon, A replaced by G.
Molecular consequence: 3 prime UTR variant. On other transcripts: intron variant (1).
Genome position (GRCh38, 1-based): chr8:74,366,830, A>G. VCF-style: chr8-74366830-A-G. GRCh37 (hg19) VCF-style: chr8-75279065-A-G.
Other names: c.*2463A>G (NM_001040875.4, NM_001362929.2, NM_001362930.2 and 1 more transcripts); c.694+3777A>G (NM_001362931.2).
Identifiers: ClinVar variation 363761 (VCV000363761.5), dbSNP rs9643686, ClinGen allele CA4785372.

ClinVar aggregate classification (germline): Benign. Review status: criteria provided, single submitter (1 of 4 stars). 2 submissions from 1 submitter: Benign (2). Last evaluated 2018-01-12.

Conditions:
Charcot-Marie-Tooth disease, axonal, with vocal cord paresis, autosomal recessive. Also called: CHARCOT-MARIE-TOOTH DISEASE, TYPE 4A, AXONAL FORM; CHARCOT-MARIE-TOOTH NEUROPATHY, AXONAL, WITH VOCAL CORD PARESIS, AUTOSOMAL RECESSIVE; CMT2 WITH VOCAL CORD PARESIS, AUTOSOMAL RECESSIVE. Identifiers: Orphanet 101097, MedGen C1843183, MONDO:0011898, OMIM 607706.
Charcot-Marie-Tooth disease recessive intermediate A (CMTRIA). Also called: CHARCOT-MARIE-TOOTH NEUROPATHY, RECESSIVE INTERMEDIATE A. Identifiers: Orphanet 217055, MedGen C1842197, MONDO:0012014, OMIM 608340.

Allele frequency attached by ClinVar (database versions not stated): ExAC 0.00038; gnomAD 0.00052 and 0.00074; gnomAD exomes 0.00056 and 0.00132; TOPMed 0.00093; 1000 Genomes Project 30x 0.00234; 1000 Genomes Project 0.00280.
gnomAD v4.1: 275 of 448,234 alleles (0.061%); highest among the groups gnomAD compares: East Asian, 1.5%; 1 homozygote.

Submissions (2):

Illumina Laboratory Services, Illumina
Classification: Benign for Charcot-Marie-Tooth disease recessive intermediate A. Last evaluated: 2018-01-12. Review status: criteria provided, single submitter. Criteria: ICSL Variant Classification Criteria 13 December 2019. Collection method: clinical testing. Allele origin: germline.
Comment: This variant was observed in the ICSL laboratory as part of a predisposition screen in an ostensibly healthy population. It had not been previously curated by ICSL or reported in the Human Gene Mutation Database (HGMD: prior to June 1st, 2018), and was therefore a candidate for classification through an automated scoring system. Utilizing variant allele frequency, disease prevalence and penetrance estimates, and inheritance mode, an automated score was calculated to assess if this variant is too frequent to cause the disease. Based on the score and internal cut-off values, a variant classified as benign is not then subjected to further curation. The score for this variant resulted in a classification of benign for this disease.

Illumina Laboratory Services, Illumina
Classification: Benign for Charcot-Marie-Tooth disease, axonal, with vocal cord paresis, autosomal recessive. Last evaluated: 2018-01-12. Review status: criteria provided, single submitter. Criteria: ICSL Variant Classification Criteria 13 December 2019. Collection method: clinical testing. Allele origin: germline.
Comment: the same text as in the submission from Illumina Laboratory Services, Illumina above.